The following is an entry in ClinVar:

NM_014159.7(SETD2):c.259A>G (p.Arg87Gly)

Gene: SETD2 (SET domain containing 2, histone lysine methyltransferase; minus strand). Cytogenetic location: 3p21.31.
Variant type: single nucleotide variant.
Coding change: c.259A>G on transcript NM_014159.7 (MANE Select); coding-DNA position 259, A replaced by G.
Protein change: p.Arg87Gly; replaces arginine 87 with glycine.
Molecular consequence: missense variant. On other transcripts: non-coding transcript variant (1).
Genome position (GRCh38, 1-based): chr3:47,124,377, T>C on the plus strand (A>G on the coding strand, the complement: SETD2 is on the minus strand). VCF-style: chr3-47124377-T-C. GRCh37 (hg19) VCF-style: chr3-47165867-T-C.
Other names: c.127A>G, p.Arg43Gly (NM_001349370.3); short protein forms R43G, R87G.
Identifiers: ClinVar variation 3604324 (VCV003604324.2).

ClinVar aggregate classification (germline): Uncertain significance (1 of 4 stars; one submission).

Conditions:
Luscan-Lumish syndrome. Identifiers: Orphanet 597738, MedGen C4085873, MONDO:0014791, OMIM 616831.

gnomAD v4.1: 6 of 1,551,962 alleles (0.00039%); highest among the groups gnomAD compares: Non-Finnish European, 0.00044%; no homozygotes.

Submission:

Labcorp Genetics (formerly Invitae), Labcorp
Classification: Uncertain significance for Luscan-Lumish syndrome. Last evaluated: 2024-11-04. Review status: criteria provided, single submitter. Criteria: Invitae Variant Classification Sherloc (09022015). Collection method: clinical testing. Allele origin: germline.
Comment: This sequence change replaces arginine, which is basic and polar, with glycine, which is neutral and non-polar, at codon 87 of the SETD2 protein (p.Arg87Gly). This variant is not present in population databases (gnomAD no frequency). This variant has not been reported in the literature in individuals affected with SETD2-related conditions. Invitae Evidence Modeling of protein sequence and biophysical properties (such as structural, functional, and spatial information, amino acid conservation, physicochemical variation, residue mobility, and thermodynamic stability) indicates that this missense variant is expected to disrupt SETD2 protein function with a positive predictive value of 80%. In summary, the available evidence is currently insufficient to determine the role of this variant in disease. Therefore, it has been classified as a Variant of Uncertain Significance.